The following is an entry in ClinVar:

ClinVar aggregate classification (germline): Conflicting classifications of pathogenicity. Review status: criteria provided, conflicting classifications (1 of 4 stars). 5 submissions from 5 submitters: Uncertain significance (1); Likely benign (4). Last evaluated 2026-06-01.

Conditions:
Inborn genetic diseases. Identifiers: MedGen C0950123, MeSH D030342.
Short-rib thoracic dysplasia 8 with or without polydactyly (SRTD8). Also called: SHORT-RIB THORACIC DYSPLASIA 8 WITH POLYDACTYLY. Identifiers: Orphanet 93271, MedGen C3809691, MONDO:0014214, OMIM 615503.

Allele frequency attached by ClinVar (database versions not stated): gnomAD exomes 0.00040 and 0.00074; ExAC 0.00084; 1000 Genomes Project 0.00160; 1000 Genomes Project 30x 0.00187; gnomAD 0.00196 and 0.00209; TOPMed 0.00220; ESP Exome Variant Server 0.00311.
gnomAD v4.1: 882 of 1,613,970 alleles (0.055%); highest among the groups gnomAD compares: African/African-American, 0.66%; no homozygotes.

Submissions (5):

CeGaT Center for Human Genetics Tuebingen
Classification: Likely benign. Last evaluated: 2026-06-01. Review status: criteria provided, single submitter. Criteria: CeGaT Center For Human Genetics Tuebingen Variant Classification Criteria Version 2. Collection method: clinical testing. Allele origin: germline. Affected: yes. Observed: 1 variant allele.
Comment: DYNC2I1: BP4

Labcorp Genetics (formerly Invitae), Labcorp
Classification: Likely benign for Short-rib thoracic dysplasia 8 with or without polydactyly. Last evaluated: 2025-12-17. Review status: criteria provided, single submitter. Criteria: Invitae Variant Classification Sherloc (09022015). Collection method: clinical testing. Allele origin: germline.

Ambry Genetics
Classification: Uncertain significance for Inborn genetic diseases. Last evaluated: 2025-06-10. Review status: criteria provided, single submitter. Criteria: Ambry Variant Classification Scheme 2023. Collection method: clinical testing. Allele origin: germline.

Blueprint Genetics
Classification: Likely benign. Last evaluated: 2024-09-17. Review status: criteria provided, single submitter. Criteria: ACMG Guidelines, 2015. Collection method: clinical testing. Allele origin: germline.

Breakthrough Genomics
Classification: Likely benign. Review status: criteria provided, single submitter. Criteria: ACMG Guidelines, 2015. Collection method: not provided. Allele origin: germline. Inheritance: Autosomal recessive inheritance. Affected: yes.

NM_018051.5(DYNC2I1):c.2210C>T (p.Thr737Met)

Gene: DYNC2I1 (dynein 2 intermediate chain 1; plus strand). Cytogenetic location: 7q36.3.
Variant type: single nucleotide variant.
Coding change: c.2210C>T on transcript NM_018051.5 (MANE Select); coding-DNA position 2210, C replaced by T.
Protein change: p.Thr737Met; replaces threonine 737 with methionine.
Molecular consequence: missense variant.
Genome position (GRCh38, 1-based): chr7:158,923,686, C>T. VCF-style: chr7-158923686-C-T. GRCh37 (hg19) VCF-style: chr7-158716377-C-T.
Other names: c.2072C>T, p.Thr691Met (NM_001350914.2); c.1637C>T, p.Thr546Met (NM_001350915.2); c.749C>T, p.Thr250Met (NM_001350916.2); c.962C>T, p.Thr321Met (NM_001350917.2, NM_001350918.2); short protein forms T691M, T250M, T546M, T321M, T737M.
Identifiers: ClinVar variation 707247 (VCV000707247.16), dbSNP rs138296655, ClinGen allele CA4594901.
Genomic context (GRCh38, chr7:158,923,686, plus strand): 5'-CGCACGGCTCAGTTGTCGTCTGGGATTTGAGAGAAGACTCAAGGCTGCATTACTCTGTGA[C>T]GCTGAGCGATGGCTTCTGGACGTTCCGGACCGCCACGTTTTCCACCGGTCAGTGTCATCT-3'
Protein context (NP_060521.4, residues 727-747): REDSRLHYSV[Thr737Met]LSDGFWTFRT